The following is an entry in ClinVar:

NM_017617.5(NOTCH1):c.4052C>T (p.Thr1351Ile)

Gene: NOTCH1 (notch receptor 1; minus strand). Cytogenetic location: 9q34.3.
Variant type: single nucleotide variant.
Coding change: c.4052C>T on transcript NM_017617.5 (MANE Select); coding-DNA position 4052, C replaced by T.
Protein change: p.Thr1351Ile; replaces threonine 1351 with isoleucine.
Molecular consequence: missense variant.
Genome position (GRCh38, 1-based): chr9:136,505,844, G>A on the plus strand (C>T on the coding strand, the complement: NOTCH1 is on the minus strand). VCF-style: chr9-136505844-G-A. GRCh37 (hg19) VCF-style: chr9-139400296-G-A.
Other names: short protein forms T1351I.
Identifiers: ClinVar variation 1392301 (VCV001392301.6), dbSNP rs1357611221, ClinGen allele CA375548312.

ClinVar aggregate classification (germline): Uncertain significance (1 of 4 stars; one submission).

Conditions:
Adams-Oliver syndrome 5 (AOS5). Identifiers: Orphanet 974, MedGen C4014970, MONDO:0014459, OMIM 616028.

Allele frequency attached by ClinVar (database versions not stated): gnomAD exomes below 0.00001; TOPMed below 0.00001; gnomAD 0.00001.
gnomAD v4.1: 2 of 1,595,194 alleles (0.00013%); highest among the groups gnomAD compares: Non-Finnish European, 0.00017%; no homozygotes.

Submission:

Labcorp Genetics (formerly Invitae), Labcorp
Classification: Uncertain significance for Adams-Oliver syndrome 5. Last evaluated: 2021-12-15. Review status: criteria provided, single submitter. Criteria: Invitae Variant Classification Sherloc (09022015). Collection method: clinical testing. Allele origin: germline.
Comment: In summary, the available evidence is currently insufficient to determine the role of this variant in disease. Therefore, it has been classified as a Variant of Uncertain Significance. Advanced modeling of protein sequence and biophysical properties (such as structural, functional, and spatial information, amino acid conservation, physicochemical variation, residue mobility, and thermodynamic stability) performed at Invitae indicates that this missense variant is not expected to disrupt NOTCH1 protein function. This variant has not been reported in the literature in individuals affected with NOTCH1-related conditions. This variant is not present in population databases (gnomAD no frequency). This sequence change replaces threonine, which is neutral and polar, with isoleucine, which is neutral and non-polar, at codon 1351 of the NOTCH1 protein (p.Thr1351Ile).